The following is an entry in ClinVar:

ClinVar aggregate classification (germline): Uncertain significance. Review status: criteria provided, multiple submitters, no conflicts (2 of 4 stars). 2 submissions from 2 submitters: Uncertain significance (2). Last evaluated 2023-12-26.

Conditions:
Familial cancer of breast. Also called: hereditary breast carcinoma; Hereditary breast cancer; BREAST CANCER, FAMILIAL. Identifiers: Orphanet 227535, MedGen C0346153, MONDO:0016419, OMIM 114480. Disease mechanism: loss of function.

Allele frequency attached by ClinVar (database versions not stated): ExAC 0.00001; gnomAD 0.00001; gnomAD exomes 0.00001; 1000 Genomes Project 30x 0.00031; 1000 Genomes Project 0.00040.
gnomAD v4.1: 1 of 1,577,962 alleles (0.000063%); highest among the groups gnomAD compares: African/African-American, 0.0013%; no homozygotes.

Submissions (2):

Labcorp Genetics (formerly Invitae), Labcorp
Classification: Uncertain significance for Familial cancer of breast. Last evaluated: 2023-12-26. Review status: criteria provided, single submitter. Criteria: Invitae Variant Classification Sherloc (09022015). Collection method: clinical testing. Allele origin: germline.
Comment: This sequence change replaces isoleucine, which is neutral and non-polar, with serine, which is neutral and polar, at codon 944 of the PALB2 protein (p.Ile944Ser). This variant is present in population databases (rs201817103, gnomAD 0.01%). This variant has not been reported in the literature in individuals affected with PALB2-related conditions. ClinVar contains an entry for this variant (Variation ID: 973769). Advanced modeling of protein sequence and biophysical properties (such as structural, functional, and spatial information, amino acid conservation, physicochemical variation, residue mobility, and thermodynamic stability) performed at Invitae indicates that this missense variant is expected to disrupt PALB2 protein function with a positive predictive value of 80%. In summary, the available evidence is currently insufficient to determine the role of this variant in disease. Therefore, it has been classified as a Variant of Uncertain Significance.

Division of Medical Genetics, University of Washington
Classification: Uncertain significance for Familial cancer of breast. Last evaluated: 2019-07-17. Review status: criteria provided, single submitter. Criteria: ACMG Guidelines, 2015. Collection method: clinical testing. Allele origin: germline. Affected: no. Study: CSER_CHARM.
Comment: The c.2831T>G variant results in a substitution of a guanine for a thymine at nucleotide position 2831, which is located at the end of exon 8. This variant has a combined allele frequency of 0.000007978 in the gnomAD database. To our knowledge, this sequence variant has not been previously reported in the medical literature; however, it occurs near a different variant (c.2834+1G>T) which has been classified as likely pathogenic in ClinVar by multiple submitters. It is unknown if the c.2831T>G variant has any impact on splicing. Based on the available information we classify c.2831T>G as a variant of uncertain significance.

NM_024675.4(PALB2):c.2831T>G (p.Ile944Ser)

Gene: PALB2 (partner and localizer of BRCA2; minus strand). Cytogenetic location: 16p12.2.
Variant type: single nucleotide variant.
Coding change: c.2831T>G on transcript NM_024675.4 (MANE Select); coding-DNA position 2831, T replaced by G.
Protein change: p.Ile944Ser; replaces isoleucine 944 with serine.
Molecular consequence: missense variant.
Genome position (GRCh38, 1-based): chr16:23,624,012, A>C on the plus strand (T>G on the coding strand, the complement: PALB2 is on the minus strand). VCF-style: chr16-23624012-A-C. GRCh37 (hg19) VCF-style: chr16-23635333-A-C.
Other names: short protein forms I944S.
Identifiers: ClinVar variation 973769 (VCV000973769.5), dbSNP rs201817103, ClinGen allele CA7963479.